The following is an entry in ClinVar:

NM_000264.5(PTCH1):c.3749C>G (p.Pro1250Arg)

Gene: PTCH1 (patched 1; minus strand). Cytogenetic location: 9q22.32.
Variant type: single nucleotide variant.
Coding change: c.3749C>G on transcript NM_000264.5 (MANE Select); coding-DNA position 3749, C replaced by G.
Protein change: p.Pro1250Arg; replaces proline 1250 with arginine.
Molecular consequence: missense variant. On other transcripts: non-coding transcript variant (1).
Genome position (GRCh38, 1-based): chr9:95,449,124, G>C on the plus strand (C>G on the coding strand, the complement: PTCH1 is on the minus strand). VCF-style: chr9-95449124-G-C. GRCh37 (hg19) VCF-style: chr9-98211406-G-C.
Other names: c.3551C>G, p.Pro1184Arg (NM_001083602.3); c.3746C>G, p.Pro1249Arg (NM_001083603.3); c.3296C>G, p.Pro1099Arg (NM_001083604.3, NM_001083605.3, NM_001083606.3 and 1 more transcripts); c.3593C>G, p.Pro1198Arg (NM_001354918.2); short protein forms P1249R, P1250R, P1099R, P1184R, P1198R.
Identifiers: ClinVar variation 855969 (VCV000855969.13), dbSNP rs1838211042, ClinGen allele CA374111014.

ClinVar aggregate classification (germline): Uncertain significance. Review status: criteria provided, multiple submitters, no conflicts (2 of 4 stars). 3 submissions from 3 submitters: Uncertain significance (3). Last evaluated 2025-09-27.

Conditions:
Basal cell carcinoma, susceptibility to, 1. Also called: BCC1. Identifiers: MedGen C2751544, MONDO:0011556, OMIM 605462.
Gorlin syndrome. Also called: Nevoid Basal Cell Carcinoma Syndrome; Basal cell nevus syndrome. Identifiers: Orphanet 377, MedGen C0004779, MONDO:0007187.
Hereditary cancer-predisposing syndrome. Also called: Hereditary neoplastic syndrome; Tumor predisposition; Neoplastic Syndromes, Hereditary; Hereditary Cancer Syndrome. Identifiers: Orphanet 140162, MedGen C0027672, MeSH D009386, MONDO:0015356.

gnomAD v4.1: 3 of 1,614,202 alleles (0.00019%); highest among the groups gnomAD compares: Admixed American, 0.0017%; no homozygotes.

Submissions (3):

Labcorp Genetics (formerly Invitae), Labcorp
Classification: Uncertain significance for Gorlin syndrome. Last evaluated: 2025-09-27. Review status: criteria provided, single submitter. Criteria: Invitae Variant Classification Sherloc (09022015). Collection method: clinical testing. Allele origin: germline.
Comment: This sequence change replaces proline, which is neutral and non-polar, with arginine, which is basic and polar, at codon 1250 of the PTCH1 protein (p.Pro1250Arg). This variant is not present in population databases (gnomAD no frequency). This variant has not been reported in the literature in individuals affected with PTCH1-related conditions. ClinVar contains an entry for this variant (Variation ID: 855969). Invitae Evidence Modeling of protein sequence and biophysical properties (such as structural, functional, and spatial information, amino acid conservation, physicochemical variation, residue mobility, and thermodynamic stability) indicates that this missense variant is not expected to disrupt PTCH1 protein function with a negative predictive value of 95%. In summary, the available evidence is currently insufficient to determine the role of this variant in disease. Therefore, it has been classified as a Variant of Uncertain Significance.

Baylor Genetics
Classification: Uncertain significance for Basal cell carcinoma, susceptibility to, 1. Last evaluated: 2024-01-14. Review status: criteria provided, single submitter. Criteria: ACMG Guidelines, 2015. Collection method: clinical testing. Allele origin: unknown.

Ambry Genetics
Classification: Uncertain significance for Hereditary cancer-predisposing syndrome. Last evaluated: 2023-12-28. Review status: criteria provided, single submitter. Criteria: Ambry Variant Classification Scheme 2023. Collection method: clinical testing. Allele origin: germline.
Comment: The p.P1250R variant (also known as c.3749C>G), located in coding exon 22 of the PTCH1 gene, results from a C to G substitution at nucleotide position 3749. The proline at codon 1250 is replaced by arginine, an amino acid with dissimilar properties. This amino acid position is well conserved in available vertebrate species. In addition, the in silico prediction for this alteration is inconclusive. Since supporting evidence is limited at this time, the clinical significance of this alteration remains unclear.